The following is an entry in ClinVar:

NM_052945.4(TNFRSF13C):c.223C>T (p.Pro75Ser)

Genes: TNFRSF13C (TNF receptor superfamily member 13C; minus strand), LOC130067574 (ATAC-STARR-seq lymphoblastoid silent region 13813; plus strand). Cytogenetic location: 22q13.2.
Variant type: single nucleotide variant.
Coding change: c.223C>T on transcript NM_052945.4 (MANE Select); coding-DNA position 223, C replaced by T.
Protein change: p.Pro75Ser; replaces proline 75 with serine.
Molecular consequence: missense variant.
Genome position (GRCh38, 1-based): chr22:41,926,245, G>A on the plus strand (C>T on the coding strand, the complement: TNFRSF13C is on the minus strand). VCF-style: chr22-41926245-G-A. GRCh37 (hg19) VCF-style: chr22-42322249-G-A.
Other names: short protein forms P75S.
Identifiers: ClinVar variation 3728631 (VCV003728631.2).
Genomic context (GRCh38, chr22:41,926,245, plus strand): 5'-GGACCAGCGCCAGGACCAGTGCCAGGCCCAGCAGCGCGGGGGCGCCAAAGAGCAGCCCGG[G>A]CAGGGGCAGCGCCGCCTCGCCGGCCCCCGCGCCCACCGACTCCTGCGGCTGCAGCGCCGT-3'
Protein context (NP_443177.1, residues 65-85): AGAGEAALPL[Pro75Ser]GLLFGAPALL

ClinVar aggregate classification (germline): Uncertain significance (1 of 4 stars; one submission).

Conditions:
Immunodeficiency, common variable, 4. Also called: ANTIBODY DEFICIENCY DUE TO BAFFR DEFECT. Identifiers: Orphanet 1572, Orphanet 696925, MedGen C3150739, MONDO:0013284, OMIM 613494.

Submission:

Labcorp Genetics (formerly Invitae), Labcorp
Classification: Uncertain significance for Immunodeficiency, common variable, 4. Last evaluated: 2025-01-07. Review status: criteria provided, single submitter. Criteria: Invitae Variant Classification Sherloc (09022015). Collection method: clinical testing. Allele origin: germline.
Comment: This sequence change replaces proline, which is neutral and non-polar, with serine, which is neutral and polar, at codon 75 of the TNFRSF13C protein (p.Pro75Ser). This variant is not present in population databases (gnomAD no frequency). This variant has not been reported in the literature in individuals affected with TNFRSF13C-related conditions. An algorithm developed to predict the effect of missense changes on protein structure and function (PolyPhen-2) suggests that this variant is likely to be tolerated. In summary, the available evidence is currently insufficient to determine the role of this variant in disease. Therefore, it has been classified as a Variant of Uncertain Significance.